The following is an entry in ClinVar:

ClinVar aggregate classification (germline): Benign/Likely benign. Review status: criteria provided, multiple submitters, no conflicts (2 of 4 stars). 10 submissions from 10 submitters: Benign (3); Likely benign (7). Last evaluated 2026-07-14.

Conditions:
Intellectual disability, autosomal dominant 16 (CSS4). Also called: COFFIN-SIRIS SYNDROME 4. Identifiers: Orphanet 1465, MedGen C3553249, MONDO:0013821, OMIM 614609.
Rhabdoid tumor predisposition syndrome 2 (RTPS2). Identifiers: Orphanet 231108, Orphanet 69077, MedGen C2750074, MONDO:0013224, OMIM 613325.
Otosclerosis 12. Identifiers: MedGen C5935610, MONDO:0968980, OMIM 620792.
Coffin-Siris syndrome. Identifiers: Orphanet 1465, MedGen C0265338, MONDO:0015452.
Hereditary cancer-predisposing syndrome. Also called: Hereditary Cancer Syndrome; Tumor predisposition; Hereditary neoplastic syndrome; Neoplastic Syndromes, Hereditary. Identifiers: Orphanet 140162, MedGen C0027672, MeSH D009386, MONDO:0015356.

Allele frequency attached by ClinVar (database versions not stated): gnomAD 0.00022; TOPMed 0.00023; 1000 Genomes Project 0.00040; ESP Exome Variant Server 0.00023; 1000 Genomes Project 30x 0.00031.
gnomAD v4.1: 446 of 1,612,792 alleles (0.028%); highest among the groups gnomAD compares: South Asian, 0.043%; no homozygotes.

Submissions (10):

Myriad Genetics, Inc.
Classification: Benign for Rhabdoid tumor predisposition syndrome 2. Last evaluated: 2026-07-14. Review status: criteria provided, single submitter. Criteria: Myriad Autosomal Dominant, Autosomal Recessive and X-Linked Classification Criteria (2023). Collection method: clinical testing. Allele origin: unknown.
Comment: This variant is considered benign. This variant is a silent/synonymous amino acid change and it is not expected to impact splicing.

Labcorp Genetics (formerly Invitae), Labcorp
Classification: Likely benign for Rhabdoid tumor predisposition syndrome 2. Last evaluated: 2026-02-01. Review status: criteria provided, single submitter. Criteria: Invitae Variant Classification Sherloc (09022015). Collection method: clinical testing. Allele origin: germline.

CeGaT Center for Human Genetics Tuebingen
Classification: Likely benign. Last evaluated: 2025-04-01. Review status: criteria provided, single submitter. Criteria: CeGaT Center For Human Genetics Tuebingen Variant Classification Criteria Version 2. Collection method: clinical testing. Allele origin: germline. Affected: yes. Observed: 1 variant allele.
Comment: SMARCA4: BP4, BP7

ARUP Laboratories, Molecular Genetics and Genomics, ARUP Laboratories
Classification: Likely benign. Last evaluated: 2024-12-26. Review status: criteria provided, single submitter. Criteria: ARUP Molecular Germline Variant Investigation Process 2024. Collection method: clinical testing. Allele origin: germline.

Department of Pathology and Laboratory Medicine, Sinai Health System
Classification: Likely benign for Rhabdoid tumor predisposition syndrome 2; Intellectual disability, autosomal dominant 16; Otosclerosis 12. Last evaluated: 2022-07-13. Review status: criteria provided, single submitter. Criteria: ACMG Guidelines, 2015. Collection method: clinical testing. Allele origin: germline. Affected: yes.

Genome-Nilou Lab
Classification: Benign for Intellectual disability, autosomal dominant 16. Last evaluated: 2021-07-15. Review status: criteria provided, single submitter. Criteria: ACMG Guidelines, 2015. Collection method: clinical testing. Allele origin: germline. Affected: no.

GeneDx
Classification: Likely benign. Last evaluated: 2021-05-26. Review status: criteria provided, single submitter. Criteria: GeneDx Variant Classification Process June 2021. Collection method: clinical testing. Allele origin: germline. Affected: yes.

Sema4
Classification: Likely benign for Hereditary cancer-predisposing syndrome. Last evaluated: 2021-03-19. Review status: criteria provided, single submitter. Criteria: Sema4 Curation Guidelines. Collection method: curation. Allele origin: germline.

Illumina Laboratory Services, Illumina
Classification: Benign for Coffin-Siris syndrome. Last evaluated: 2018-01-12. Review status: criteria provided, single submitter. Criteria: ICSL Variant Classification Criteria 13 December 2019. Collection method: clinical testing. Allele origin: germline.
Comment: This variant was observed in the ICSL laboratory as part of a predisposition screen in an ostensibly healthy population. It had not been previously curated by ICSL or reported in the Human Gene Mutation Database (HGMD: prior to June 1st, 2018), and was therefore a candidate for classification through an automated scoring system. Utilizing variant allele frequency, disease prevalence and penetrance estimates, and inheritance mode, an automated score was calculated to assess if this variant is too frequent to cause the disease. Based on the score and internal cut-off values, a variant classified as benign is not then subjected to further curation. The score for this variant resulted in a classification of benign for this disease.

Ambry Genetics
Classification: Likely benign for Hereditary cancer-predisposing syndrome. Last evaluated: 2015-06-06. Review status: criteria provided, single submitter. Criteria: Ambry Variant Classification Scheme 2023. Collection method: clinical testing. Allele origin: germline.

NM_003072.5(SMARCA4):c.3558G>A (p.Ala1186=)

Gene: SMARCA4 (SWI/SNF related BAF chromatin remodeling complex subunit ATPase 4; plus strand). Cytogenetic location: 19p13.2.
Variant type: single nucleotide variant.
Coding change: c.3558G>A on transcript NM_003072.5 (MANE Select); coding-DNA position 3558, G replaced by A.
Protein change: p.Ala1186=; no amino-acid change (alanine 1186 retained).
Molecular consequence: synonymous variant. On other transcripts: non-coding transcript variant (1).
Genome position (GRCh38, 1-based): chr19:11,033,301, G>A. VCF-style: chr19-11033301-G-A. GRCh37 (hg19) VCF-style: chr19-11143977-G-A.
Other names: c.3558G>A, p.Ala1186= (NM_001128844.3, NM_001128845.2, NM_001128846.2 and 5 more transcripts); c.3558G>A (NM_001128849.2).
Identifiers: ClinVar variation 238431 (VCV000238431.37), dbSNP rs140322802, ClinGen allele CA9204469.
Genomic context (GRCh38, chr19:11,033,301, plus strand): 5'-TTATGACCTCCTGGGCTCCTTTGGGACTGACTGGCACCTCTTCCCCCAGGACCTGCAAGC[G>A]CAGGACCGAGCCCACCGCATCGGGCAGCAGAACGAGGTGCGTGTGCTCCGCCTCTGCACC-3'
Protein context (NP_003063.2, residues 1176-1196): SDWNPHQDLQ[Ala1186=]QDRAHRIGQQ